The following is an entry in ClinVar:

ClinVar aggregate classification (germline): Uncertain significance (1 of 4 stars; one submission).

Allele frequency attached by ClinVar (database versions not stated): gnomAD exomes below 0.00001; ExAC 0.00001.
gnomAD v4.1: 4 of 1,614,090 alleles (0.00025%); highest among the groups gnomAD compares: Non-Finnish European, 0.00034%; no homozygotes.

Submission:

Labcorp Genetics (formerly Invitae), Labcorp
Classification: Uncertain significance. Last evaluated: 2022-03-13. Review status: criteria provided, single submitter. Criteria: Invitae Variant Classification Sherloc (09022015). Collection method: clinical testing. Allele origin: germline.
Comment: In summary, the available evidence is currently insufficient to determine the role of this variant in disease. Therefore, it has been classified as a Variant of Uncertain Significance. Algorithms developed to predict the effect of missense changes on protein structure and function (SIFT, PolyPhen-2, Align-GVGD) all suggest that this variant is likely to be tolerated. This variant has not been reported in the literature in individuals affected with LEMD3-related conditions. The frequency data for this variant in the population databases is considered unreliable, as metrics indicate poor data quality at this position in the gnomAD database. This sequence change replaces valine, which is neutral and non-polar, with alanine, which is neutral and non-polar, at codon 631 of the LEMD3 protein (p.Val631Ala).

NM_014319.5(LEMD3):c.1892T>C (p.Val631Ala)

Gene: LEMD3 (LEM domain containing 3; plus strand). Cytogenetic location: 12q14.3.
Variant type: single nucleotide variant.
Coding change: c.1892T>C on transcript NM_014319.5 (MANE Select); coding-DNA position 1892, T replaced by C.
Protein change: p.Val631Ala; replaces valine 631 with alanine.
Molecular consequence: missense variant.
Genome position (GRCh38, 1-based): chr12:65,238,785, T>C. VCF-style: chr12-65238785-T-C. GRCh37 (hg19) VCF-style: chr12-65632565-T-C.
Other names: c.1889T>C, p.Val630Ala (NM_001167614.2); short protein forms V631A, V630A.
Identifiers: ClinVar variation 2111454 (VCV002111454.4), dbSNP rs747990796, ClinGen allele CA6671065.